The following is an entry in ClinVar:

NR_003051.4(RMRP):n.220A>G

Gene: RMRP (RNA component of mitochondrial RNA processing endoribonuclease; minus strand). Cytogenetic location: 9p13.3.
Variant type: single nucleotide variant.
Genome position: GRCh38 VCF-style: chr9-35657800-T-C. GRCh37 (hg19) VCF-style: chr9-35657797-T-C.
Other names: 218A-G.
Identifiers: ClinVar variation 580378 (VCV000580378.18), dbSNP rs936059863, ClinGen allele CA192745562.

ClinVar aggregate classification (germline): Likely pathogenic. Review status: reviewed by expert panel (3 of 4 stars). 7 submissions from 7 submitters: Likely pathogenic (1). 6 of the submissions do not count toward it. Last evaluated 2025-09-30.

Conditions:
RMRP-related disorder. Also called: RMRP-related condition.
Anauxetic dysplasia. Identifiers: Orphanet 93347, MedGen C1846796, MONDO:0011773.
Metaphyseal dysplasia without hypotrichosis. Also called: CARTILAGE-HAIR HYPOPLASIA VARIANT, SKELETAL MANIFESTATIONS ONLY; CARTILAGE-HAIR HYPOPLASIA-LIKE SKELETAL DYSPLASIA WITHOUT HYPOTRICHOSIS OR IMMUNODEFICIENCY; Metaphyseal Dysplasia without Hypotrichosis (MDWH). Identifiers: MedGen C1834821, MONDO:0009601, OMIM 250460.
Metaphyseal chondrodysplasia, McKusick type (CHH). Also called: Cartilage-Hair Hypoplasia (CHH); Cartilage-hair hypoplasia. Identifiers: Orphanet 175, MedGen C0220748, MONDO:0009595, OMIM 250250.
Anauxetic dysplasia 1 (ANXD1). Also called: Anauxetic Dysplasia (AD). Identifiers: Orphanet 93347, MedGen C4551965, MONDO:0054560, OMIM 607095.

Allele frequency attached by ClinVar (database versions not stated): TOPMed 0.00002.
gnomAD v4.1: 36 of 699,954 alleles (0.0051%); highest among the groups gnomAD compares: East Asian, 0.075%; no homozygotes.

Submissions (7):

ClinGen Severe Combined Immunodeficiency Variant Curation Expert Panel, ClinGen
Classification: Likely pathogenic for Metaphyseal chondrodysplasia, McKusick type. Last evaluated: 2025-09-30. Review status: reviewed by expert panel. Criteria: ClinGen SCID ACMG Specifications RMRP V1.2.0. Collection method: curation. Allele origin: germline. Inheritance: Autosomal recessive inheritance.
Comment: The variant NC_000009.12:g.35657800T>C, also known as NR_003051.4(RMRP):n.220A>G or 218A-G, is present in gnomAD v.4.1 at a Grpmax allele frequency of 0.0005330, which is higher than the ClinGen SCID VCEP PM2_Supporting threshold of 0.0000447, and less than the threshold (>0.00089) for BS1. Therefore, both PM2 and BS1 are not met. At least one patient presented with Methaphyseal dysplasia (+1.0 points) and hypotrichosis (+0.5 points). Therefore PP4 is met at default strength (PMID: 16832578). A multiple-case family has been reported with the variant in trans 17-bp dup at +3 and two affected siblings. Therefore PP1 is met at default strength (PMID: 16832578). This variant is in trans with 17-bp ins at–20 (+0.25 points), 217C>T (+0.25 points), 17-bp dup at+3 (Paternal, +1.0 points), 17-bp dup at +3 (Maternal, two siblings, +1.0 points), reaching a total of 2.5 points meeting PM3_Strong (PMID: 16832578). In summary, this variant is classified as Likely Pathogenic for Autosomal recessive Cartilage Hair Hypoplasia based on the ACMG/AMP criteria applied, as specified by the ClinGen SCID VCEP: PM3_Strong, PP4, PP1 (VCEP specifications version 1).

Natera, Inc.
Classification: Pathogenic for Cartilage-hair hypoplasia. Last evaluated: 2025-08-20. Review status: criteria provided, single submitter. Criteria: Natera Variant Classification Schema (03/2026). Collection method: clinical testing. Allele origin: germline. Not counted in ClinVar's aggregate classification.
Comment: The n.219A>G variant in RMRP is characterized as a single nucleotide variant (SNV). This variant is rare in the general population with a frequency below the threshold expected for the associated phenotype(s). This variant has been observed in one or more individuals affected with the associated recessive disease, as either homozygous or compound heterozygous with a second variant (PMID: 16832578, 15780958). Given the available evidence, this variant is classified as Pathogenic.

Labcorp Genetics (formerly Invitae), Labcorp
Classification: Pathogenic for Anauxetic dysplasia. Last evaluated: 2025-03-06. Review status: criteria provided, single submitter. Criteria: Invitae Variant Classification Sherloc (09022015). Collection method: clinical testing. Allele origin: germline. Not counted in ClinVar's aggregate classification.
Comment: This variant occurs in the RMRP gene, which encodes an RNA molecule that does not result in a protein product. The frequency data for this variant in the population databases is considered unreliable, as metrics indicate poor data quality at this position in the gnomAD database. This variant has been observed in individual(s) with cartilage-hair hypoplasia (PMID: 14608646, 15780958, 16832578). In at least one individual the data is consistent with being in trans (on the opposite chromosome) from a pathogenic variant. This variant is also known as c.218A>G. ClinVar contains an entry for this variant (Variation ID: 580378). Studies have shown that this variant alters RMRP gene expression (PMID: 17937437). For these reasons, this variant has been classified as Pathogenic.

PreventionGenetics, part of Exact Sciences
Classification: Pathogenic for RMRP-related condition. Last evaluated: 2025-02-11. Review status: criteria provided, single submitter. Criteria: ACMG Guidelines, 2015. Collection method: clinical testing. Allele origin: germline. Not counted in ClinVar's aggregate classification.
Comment: The RMRP n.219A>G is a noncoding alteration. This variant was reported in individuals with cartilage-hair hypoplasia (Harada et al. 2005. PubMed ID: 15780958; Nakashima et al. 2003. PubMed ID: 14608646; Hirose et al. 2006. PubMed ID: 16832578). Functional studies have shown this variant alters gene expression (Nakashima et al. 2007. PubMed ID: 17937437). This variant is reported in 0.0046% of alleles in individuals of European (Non-Finnish) descent in gnomAD. This variant is interpreted as pathogenic.

Fulgent Genetics
Classification: Likely pathogenic for Metaphyseal chondrodysplasia, McKusick type; Metaphyseal dysplasia without hypotrichosis; Anauxetic dysplasia 1. Last evaluated: 2022-05-30. Review status: criteria provided, single submitter. Criteria: ACMG Guidelines, 2015. Collection method: clinical testing. Allele origin: unknown. Not counted in ClinVar's aggregate classification.

Women's Health and Genetics/Laboratory Corporation of America, LabCorp
Classification: Pathogenic for Metaphyseal chondrodysplasia, McKusick type. Last evaluated: 2018-12-08. Review status: criteria provided, single submitter. Criteria: LabCorp Variant Classification Summary - May 2015. Collection method: clinical testing. Allele origin: germline. Not counted in ClinVar's aggregate classification.
Comment: Variant summary: RMRP n.219A>G (also known as 218A>G) involves the alteration of a non-conserved nucleotide. The variant allele was found at a frequency of 8e-06 in 125112 control chromosomes (gnomAD and publications). The variant, n.219A>G, has been reported in the literature in individuals affected with Cartilage-Hair Hypoplasia (Nakashima_2003, Harada_2005). These data indicate that the variant may be associated with disease. At least one publication reports experimental evidence showing a 10%-<30% decrease in RNA levels associated with this variant (Nakashima_2007). One clinical diagnostic laboratory has submitted clinical-significance assessments for this variant to ClinVar after 2014 without evidence for independent evaluation and classified the variant as pathogenic. Based on the evidence outlined above, the variant was classified as pathogenic.

OMIM
Classification: Pathogenic for METAPHYSEAL DYSPLASIA WITHOUT HYPOTRICHOSIS. Last evaluated: 2003-12-15. Review status: no assertion criteria provided. Collection method: literature only. Allele origin: germline. Not counted in ClinVar's aggregate classification.

Literature cited by the submitters: PubMed 16832578 (cited by Natera, Inc. and Labcorp Genetics (formerly Invitae), Labcorp); PubMed 15780958 (cited by Natera, Inc. and Labcorp Genetics (formerly Invitae), Labcorp); PubMed 14608646 (cited by 3 submitters); PubMed 17937437 (cited by Labcorp Genetics (formerly Invitae), Labcorp and Women's Health and Genetics/Laboratory Corporation of America, LabCorp).